The following is an entry in ClinVar:

ClinVar aggregate classification (germline): Pathogenic. Review status: criteria provided, multiple submitters, no conflicts (2 of 4 stars). 5 submissions from 5 submitters: Pathogenic (3). 2 of the submissions do not count toward it. Last evaluated 2025-01-29.

Conditions:
Hereditary cancer-predisposing syndrome. Also called: Tumor predisposition; Neoplastic Syndromes, Hereditary; Hereditary Cancer Syndrome; Hereditary neoplastic syndrome. Identifiers: Orphanet 140162, MedGen C0027672, MeSH D009386, MONDO:0015356.
Hereditary breast ovarian cancer syndrome. Also called: Hereditary breast and ovarian cancer syndrome (HBOC); Hereditary breast and ovarian cancer syndrome; Hereditary breast and ovarian cancer; Hereditary breast and/or ovarian cancer syndrome; Breast and ovarian cancer; BRCA1- and BRCA2-Associated Hereditary Breast and Ovarian Cancer. Identifiers: Orphanet 145, MedGen C0677776, MeSH D061325, MONDO:0003582. Disease mechanism: loss of function.
Breast-ovarian cancer, familial, susceptibility to, 1 (BROVCA1). Also called: OVARIAN CANCER, SUSCEPTIBILITY TO; BRCA1 Hereditary Breast and Ovarian Cancer. Identifiers: Orphanet 145, MedGen C2676676, MONDO:0011450, OMIM 604370. Disease mechanism: loss of function.

Allele frequency attached by ClinVar (database versions not stated): gnomAD exomes below 0.00001.
gnomAD v4.1: 1 of 1,613,682 alleles (0.000062%); highest among the groups gnomAD compares: Non-Finnish European, 0.000085%; no homozygotes.

Submissions (6):

Labcorp Genetics (formerly Invitae), Labcorp
Classification: Pathogenic for Hereditary breast ovarian cancer syndrome. Last evaluated: 2025-01-29. Review status: criteria provided, single submitter. Criteria: Invitae Variant Classification Sherloc (09022015). Collection method: clinical testing. Allele origin: germline.
Comment: This sequence change affects a donor splice site in intron 21 of the BRCA1 gene. It is expected to disrupt RNA splicing. Variants that disrupt the donor or acceptor splice site typically lead to a loss of protein function (PMID: 16199547), and loss-of-function variants in BRCA1 are known to be pathogenic (PMID: 20104584). This variant is not present in population databases (gnomAD no frequency). Disruption of this splice site has been observed in individual(s) with breast cancer (PMID: 33461583, 33758026). ClinVar contains an entry for this variant (Variation ID: 37666). Algorithms developed to predict the effect of variants on gene product structure and function are not available or were not evaluated for this variant. Experimental studies have shown that disruption of this splice site affects BRCA1 function (PMID: 30209399). Algorithms developed to predict the effect of sequence changes on RNA splicing suggest that this variant may disrupt the consensus splice site. For these reasons, this variant has been classified as Pathogenic.

Ambry Genetics
Classification: Pathogenic for Hereditary cancer-predisposing syndrome. Last evaluated: 2017-12-15. Review status: criteria provided, single submitter. Criteria: Ambry Variant Classification Scheme 2023. Collection method: clinical testing. Allele origin: germline.
Comment: The c.5406+1G>A intronic pathogenic mutation results from a G to A substitution one nucleotide after coding exon 20 of the BRCA1 gene. Two different studies have shown that this alteration results in skipping of exon 22 (coding exon 20) (Houdayer C et al. Hum. Mutat. 2012 Aug;33:1228-38; Steffensen AY et al. Eur. J. Hum. Genet. 2014 Dec;22:1362-8). In addition to the clinical data presented in the literature, alterations that disrupt the canonical splice site are expected to cause aberrant splicing, resulting in an abnormal protein or a transcript that is subject to nonsense-mediated mRNA decay. As such, this alteration is classified as a disease-causing mutation.

Consortium of Investigators of Modifiers of BRCA1/2 (CIMBA), c/o University of Cambridge
Classification: Pathogenic for Breast-ovarian cancer, familial, susceptibility to, 1. Last evaluated: 2015-10-02. Review status: criteria provided, single submitter. Criteria: CIMBA Mutation Classification guidelines May 2016. Collection method: clinical testing. Allele origin: germline.

Sharing Clinical Reports Project (SCRP)
Classification: Pathogenic for Breast-ovarian cancer, familial 1. Last evaluated: 2012-01-19. Review status: no assertion criteria provided. Collection method: clinical testing. Allele origin: germline. Not counted in ClinVar's aggregate classification.

Breast Cancer Information Core (BIC) (BRCA1)
Classification: Pathogenic for Breast-ovarian cancer, familial 1. Last evaluated: 2003-12-23. Review status: no assertion criteria provided. Collection method: clinical testing. Allele origin: germline. Affected: yes. Observed: 1 variant allele. Not counted in ClinVar's aggregate classification.

Brotman Baty Institute, University of Washington
No classification provided (evidence only). Condition: Breast-ovarian cancer, familial 1. Review status: no classification provided. Collection method: in vitro. Allele origin: not applicable. Functional consequence: functionally_abnormal. Not counted in ClinVar's aggregate classification.
ClinVar note: "not provided" was previously submitted as the classification for the variant. However, the classification appeared to be based only on an observation of functional data so it was converted to no classification on 2025-07-30.

Literature cited by the submitters: PubMed 16199547 (cited by Labcorp Genetics (formerly Invitae), Labcorp); PubMed 20104584 (cited by Labcorp Genetics (formerly Invitae), Labcorp); PubMed 33461583 (cited by Labcorp Genetics (formerly Invitae), Labcorp); PubMed 33758026 (cited by Labcorp Genetics (formerly Invitae), Labcorp); PubMed 30209399 (cited by Labcorp Genetics (formerly Invitae), Labcorp); PubMed 22505045 (cited by Ambry Genetics); PubMed 24667779 (cited by Ambry Genetics).

NM_007294.4(BRCA1):c.5406+1G>A

Gene: BRCA1 (BRCA1 DNA repair associated; minus strand). Cytogenetic location: 17q21.31.
Variant type: single nucleotide variant.
Coding change: c.5406+1G>A on transcript NM_007294.4 (MANE Select); the canonical splice donor site of the intron after coding-DNA position 5406, G replaced by A.
Molecular consequence: splice donor variant. On other transcripts: intron variant (19).
Genome position (GRCh38, 1-based): chr17:43,049,120, C>T on the plus strand (G>A on the coding strand, the complement: BRCA1 is on the minus strand). VCF-style: chr17-43049120-C-T. GRCh37 (hg19) VCF-style: chr17-41201137-C-T.
Other names: IVS22+1G>A; c.2094+1G>A (NM_001407982.1, NM_001407980.1, NM_001407993.1 and 10 more transcripts); c.2163+1G>A (NM_001407970.1, NM_001407971.1); c.5403+1G>A (NM_001407621.1, NM_001407613.1, NM_001407618.1 and 14 more transcripts); c.5406+1G>A (NM_001407593.1, NM_001407603.1, NM_001407598.1 and 5 more transcripts); c.1953+1G>A (NM_001408458.1, NM_001408461.1, NM_001408464.1 and 7 more transcripts); c.4515+1G>A (NM_001407967.1); c.5025+1G>A (NM_001407959.1); and 85 more.
Identifiers: ClinVar variation 37666 (VCV000037666.11), dbSNP rs80358028, ClinGen allele CA003554.